The following is an entry in ClinVar:

NM_007215.4(POLG2):c.533C>A (p.Ser178Tyr)

Genes: MILR1 (mast cell immunoglobulin like receptor 1; plus strand), POLG2 (DNA polymerase gamma 2, accessory subunit; minus strand). Cytogenetic location: 17q23.3.
Variant type: single nucleotide variant.
Coding change: c.533C>A on transcript NM_007215.4 (MANE Select); coding-DNA position 533, C replaced by A.
Protein change: p.Ser178Tyr; replaces serine 178 with tyrosine.
Molecular consequence: missense variant.
Genome position (GRCh38, 1-based): chr17:64,496,436, G>T on the plus strand (C>A on the coding strand, the complement: POLG2 is on the minus strand). VCF-style: chr17-64496436-G-T. GRCh37 (hg19) VCF-style: chr17-62492554-G-T.
Other names: short protein forms S178Y.
Identifiers: ClinVar variation 1943909 (VCV001943909.5), dbSNP rs782061130, ClinGen allele CA400640729.

ClinVar aggregate classification (germline): Uncertain significance (1 of 4 stars; one submission).

gnomAD v4.1: 1 of 1,587,892 alleles (0.000063%); highest among the groups gnomAD compares: Non-Finnish European, 0.000086%; no homozygotes.

Submission:

Labcorp Genetics (formerly Invitae), Labcorp
Classification: Uncertain significance. Last evaluated: 2022-05-16. Review status: criteria provided, single submitter. Criteria: Invitae Variant Classification Sherloc (09022015). Collection method: clinical testing. Allele origin: germline.
Comment: This sequence change replaces serine, which is neutral and polar, with tyrosine, which is neutral and polar, at codon 178 of the POLG2 protein (p.Ser178Tyr). This variant is not present in population databases (gnomAD no frequency). This variant has not been reported in the literature in individuals affected with POLG2-related conditions. Algorithms developed to predict the effect of missense changes on protein structure and function are either unavailable or do not agree on the potential impact of this missense change (SIFT: "Deleterious"; PolyPhen-2: "Possibly Damaging"; Align-GVGD: "Class C0"). In summary, the available evidence is currently insufficient to determine the role of this variant in disease. Therefore, it has been classified as a Variant of Uncertain Significance.